The following is an entry in ClinVar:

ClinVar aggregate classification (germline): Uncertain significance (1 of 4 stars; one submission).

Submission:

Dasa
Classification: Uncertain significance. Last evaluated: 2025-06-22. Review status: criteria provided, single submitter. Criteria: DASA Assertion Criteria. Collection method: clinical testing. Allele origin: germline.
Comment: NM_005431.2(XRCC2):c.323T>C (p.Ile108Thr) is a missense variant that results in the substitution of isoleucine with threonine. This variant is absent from population databases. Computational prediction algorithms are consistent with a benign effect. The currently available literature and clinical evidence are not sufficient to establish a definitive association between this variant and the reported condition. Therefore, this variant is classified as a variant of uncertain significance.

NM_005431.2(XRCC2):c.323T>C (p.Ile108Thr)

Gene: XRCC2 (X-ray repair cross complementing 2; minus strand). Cytogenetic location: 7q36.1.
Variant type: single nucleotide variant.
Coding change: c.323T>C on transcript NM_005431.2 (MANE Select); coding-DNA position 323, T replaced by C.
Protein change: p.Ile108Thr; replaces isoleucine 108 with threonine.
Molecular consequence: missense variant.
Genome position (GRCh38, 1-based): chr7:152,649,162, A>G on the plus strand (T>C on the coding strand, the complement: XRCC2 is on the minus strand). VCF-style: chr7-152649162-A-G. GRCh37 (hg19) VCF-style: chr7-152346247-A-G.
Other names: short protein forms I108T.
Identifiers: ClinVar variation 4881336 (VCV004881336.2).